The following is an entry in ClinVar:

NM_000181.4(GUSB):c.112T>C (p.Cys38Arg)

Gene: GUSB (glucuronidase beta; minus strand). Cytogenetic location: 7q11.21.
Variant type: single nucleotide variant.
Coding change: c.112T>C on transcript NM_000181.4 (MANE Select); coding-DNA position 112, T replaced by C.
Protein change: p.Cys38Arg; replaces cysteine 38 with arginine.
Molecular consequence: missense variant. On other transcripts: 5 prime UTR variant (2), non-coding transcript variant (1).
Genome position (GRCh38, 1-based): chr7:65,982,072, A>G on the plus strand (T>C on the coding strand, the complement: GUSB is on the minus strand). VCF-style: chr7-65982072-A-G. GRCh37 (hg19) VCF-style: chr7-65447059-A-G.
Other names: c.112T>C, p.Cys38Arg (NM_001284290.2); c.-274T>C (NM_001293104.2); c.-218T>C (NM_001293105.2); short protein forms C38R.
Identifiers: ClinVar variation 2051532 (VCV002051532.1), dbSNP rs779499448, ClinGen allele CA4276746.
Genomic context (GRCh38, chr7:65,982,072, plus strand): 5'-CCCGGCGTCGGTTGTCAGAGAAGTCGGCGCGGAAGCTCCAGAGGCCGTCCAGCTCCTTGC[A>G]CTCCCGCGACGGGCTCTCCTGGGGGTACAGCATCCCGCCCTGCAGCCCCAGCGCGCAGCC-3'
Protein context (NP_000172.2, residues 28-48): LYPQESPSRE[Cys38Arg]KELDGLWSFR

ClinVar aggregate classification (germline): Uncertain significance (1 of 4 stars; one submission).

Conditions:
Mucopolysaccharidosis type 7 (MPS7). Also called: GUSB DEFICIENCY; SLY SYNDROME; MPS VII; BETA-GLUCURONIDASE DEFICIENCY. Identifiers: Orphanet 584, MedGen C0085132, MONDO:0009662, OMIM 253220.

Allele frequency attached by ClinVar (database versions not stated): TOPMed below 0.00001; ExAC 0.00001.
gnomAD v4.1: 18 of 1,607,692 alleles (0.0011%); highest among the groups gnomAD compares: Non-Finnish European, 0.0015%; no homozygotes.

Submission:

Labcorp Genetics (formerly Invitae), Labcorp
Classification: Uncertain significance for Mucopolysaccharidosis type 7. Last evaluated: 2022-02-26. Review status: criteria provided, single submitter. Criteria: Invitae Variant Classification Sherloc (09022015). Collection method: clinical testing. Allele origin: germline.
Comment: This sequence change replaces cysteine, which is neutral and slightly polar, with arginine, which is basic and polar, at codon 38 of the GUSB protein (p.Cys38Arg). This variant is present in population databases (rs779499448, gnomAD 0.008%). This variant has not been reported in the literature in individuals affected with GUSB-related conditions. Algorithms developed to predict the effect of missense changes on protein structure and function output the following: SIFT: "Tolerated"; PolyPhen-2: "Benign"; Align-GVGD: "Class C0". The arginine amino acid residue is found in multiple mammalian species, which suggests that this missense change does not adversely affect protein function. This variant disrupts the p.Cys38 amino acid residue in GUSB. Other variant(s) that disrupt this residue have been determined to be pathogenic (PMID: 9490302). This suggests that this residue is clinically significant, and that variants that disrupt this residue are likely to be disease-causing. In summary, the available evidence is currently insufficient to determine the role of this variant in disease. Therefore, it has been classified as a Variant of Uncertain Significance.

Literature cited by the submitters: PubMed 9490302.